The following is an entry in ClinVar:

ClinVar aggregate classification (germline): Uncertain significance (1 of 4 stars; one submission).

Conditions:
Cardiovascular phenotype. Identifiers: MedGen CN230736.

Submission:

Ambry Genetics
Classification: Uncertain significance for Cardiovascular phenotype. Last evaluated: 2023-06-14. Review status: criteria provided, single submitter. Criteria: Ambry Variant Classification Scheme 2023. Collection method: clinical testing. Allele origin: germline.
Comment: The p.E711V variant (also known as c.2132A>T), located in coding exon 17 of the JAG1 gene, results from an A to T substitution at nucleotide position 2132. The glutamic acid at codon 711 is replaced by valine, an amino acid with dissimilar properties. This amino acid position is conserved. In addition, this alteration is predicted to be deleterious by in silico analysis. Since supporting evidence is limited at this time, the clinical significance of this alteration remains unclear.

NM_000214.3(JAG1):c.2132A>T (p.Glu711Val)

Gene: JAG1 (jagged canonical Notch ligand 1; minus strand). Cytogenetic location: 20p12.2.
Variant type: single nucleotide variant.
Coding change: c.2132A>T on transcript NM_000214.3 (MANE Select); coding-DNA position 2132, A replaced by T.
Protein change: p.Glu711Val; replaces glutamic acid 711 with valine.
Molecular consequence: missense variant.
Genome position (GRCh38, 1-based): chr20:10,645,238, T>A on the plus strand (A>T on the coding strand, the complement: JAG1 is on the minus strand). VCF-style: chr20-10645238-T-A. GRCh37 (hg19) VCF-style: chr20-10625886-T-A.
Other names: short protein forms E711V.
Identifiers: ClinVar variation 2566912 (VCV002566912.2), dbSNP rs2514513376, ClinGen allele CA408235315.